The following is an entry in ClinVar:

ClinVar aggregate classification (germline): Uncertain significance (1 of 4 stars; one submission).

Submission:

Dasa
Classification: Uncertain significance. Last evaluated: 2025-10-28. Review status: criteria provided, single submitter. Criteria: DASA Assertion Criteria. Collection method: clinical testing. Allele origin: germline.
Comment: NM_181552.4(CUX1):c.583C>T (p.His195Tyr) is a missense variant that results in the substitution of histidine with tyrosine. This variant is absent from population databases. The currently available literature and clinical evidence are not sufficient to establish a definitive association between this variant and the reported condition. Therefore, this variant is classified as a variant of uncertain significance.

NM_181552.4(CUX1):c.583C>T (p.His195Tyr)

Gene: CUX1 (cut like homeobox 1; plus strand). Cytogenetic location: 7q22.1.
Variant type: single nucleotide variant.
Coding change: c.583C>T on transcript NM_181552.4 (MANE Select); coding-DNA position 583, C replaced by T.
Protein change: p.His195Tyr; replaces histidine 195 with tyrosine.
Molecular consequence: missense variant.
Genome position (GRCh38, 1-based): chr7:102,111,750, C>T. VCF-style: chr7-102111750-C-T. GRCh37 (hg19) VCF-style: chr7-101755030-C-T.
Other names: c.616C>T, p.His206Tyr (NM_001202543.2, NM_001913.5, NM_181500.4); c.568C>T, p.His190Tyr (NM_001202544.3); c.478C>T, p.His160Tyr (NM_001202545.3); c.505C>T, p.His169Tyr (NM_001202546.3); short protein forms H160Y, H169Y, H190Y, H195Y, H206Y.
Identifiers: ClinVar variation 5020819 (VCV005020819.1).
Genomic context (GRCh38, chr7:102,111,750, plus strand): 5'-CTTTGCAGAAAGCTGCAGGAGACACAGATGTCCACCACCTCAAAGCTGGAGGAAGCTGAG[C>T]ATAAGGTTCAGAGCCTACAAACAGGTTTGATACTCTCCTTCCTAGTACCATGGATGTGGG-3'
Protein context (NP_853530.2, residues 185-205): STTSKLEEAE[His195Tyr]KVQSLQTALE